The following is an entry in ClinVar:

NM_003906.5(MCM3AP):c.5426G>A (p.Arg1809His)

Genes: MCM3AP (minichromosome maintenance complex component 3 associated protein; minus strand), MCM3AP-AS1 (MCM3AP antisense RNA 1; plus strand). Cytogenetic location: 21q22.3.
Variant type: single nucleotide variant.
Coding change: c.5426G>A on transcript NM_003906.5 (MANE Select); coding-DNA position 5426, G replaced by A.
Protein change: p.Arg1809His; replaces arginine 1809 with histidine.
Molecular consequence: missense variant. On other transcripts: non-coding transcript variant (2).
Genome position (GRCh38, 1-based): chr21:46,242,802, C>T on the plus strand (G>A on the coding strand, the complement: MCM3AP is on the minus strand). VCF-style: chr21-46242802-C-T. GRCh37 (hg19) VCF-style: chr21-47662716-C-T.
Other names: short protein forms R1809H.
Identifiers: ClinVar variation 1357559 (VCV001357559.6), dbSNP rs2080691278, ClinGen allele CA410538507.
Genomic context (GRCh38, chr21:46,242,802, plus strand): 5'-TACTTTGCAAGAAAAATACAGTTTAGCAAGCAACAGAAACATACTGAACATGAACCTCAC[C>T]GTCCCTCTCTCAGCTGTAGCTCCTTCTGCGTCTGCAACCTGGCTTGTTCCCACGACAAAG-3'
Protein context (NP_003897.2, residues 1799-1819): TQKELQLREG[Arg1809His]LAIKPFHPSA

ClinVar aggregate classification (germline): Uncertain significance (1 of 4 stars; one submission).

Allele frequency attached by ClinVar (database versions not stated): gnomAD exomes below 0.00001; TOPMed below 0.00001.
gnomAD v4.1: 4 of 1,605,110 alleles (0.00025%); highest among the groups gnomAD compares: Non-Finnish European, 0.00034%; no homozygotes.

Submissions (2):

Labcorp Genetics (formerly Invitae), Labcorp
Classification: Uncertain significance. Last evaluated: 2021-10-14. Review status: criteria provided, single submitter. Criteria: Invitae Variant Classification Sherloc (09022015). Collection method: clinical testing. Allele origin: germline.
Comment: This sequence change replaces arginine with histidine at codon 1809 of the MCM3AP protein (p.Arg1809His). The arginine residue is moderately conserved and there is a small physicochemical difference between arginine and histidine. This variant also falls at the last nucleotide of exon 25, which is part of the consensus splice site for this exon. This variant is not present in population databases (ExAC no frequency). This variant has not been reported in the literature in individuals affected with MCM3AP-related conditions. Algorithms developed to predict the effect of missense changes on protein structure and function are either unavailable or do not agree on the potential impact of this missense change (SIFT: "Tolerated"; PolyPhen-2: "Possibly Damaging"; Align-GVGD: "Class C0"). Variants that disrupt the consensus splice site are a relatively common cause of aberrant splicing (PMID: 17576681, 9536098). Algorithms developed to predict the effect of sequence changes on RNA splicing suggest that this variant may disrupt the consensus splice site. In summary, the available evidence is currently insufficient to determine the role of this variant in disease. Therefore, it has been classified as a Variant of Uncertain Significance.

Dr. Peter K. Rogan Lab, Western University
No classification provided (evidence only). Condition: Sarcoma. Review status: no classification provided. Collection method: in vitro. Allele origin: not applicable. Functional consequence: skipped exon, retained intron. Not counted in ClinVar's aggregate classification.

Literature cited by the submitters: PubMed 17576681 (cited by Labcorp Genetics (formerly Invitae), Labcorp); PubMed 9536098 (cited by Labcorp Genetics (formerly Invitae), Labcorp).